The following is an entry in ClinVar:

NM_012330.4(KAT6B):c.4307C>T (p.Ser1436Phe)

Gene: KAT6B (lysine acetyltransferase 6B; plus strand). Cytogenetic location: 10q22.2.
Variant type: single nucleotide variant.
Coding change: c.4307C>T on transcript NM_012330.4 (MANE Select); coding-DNA position 4307, C replaced by T.
Protein change: p.Ser1436Phe; replaces serine 1436 with phenylalanine.
Molecular consequence: missense variant.
Genome position (GRCh38, 1-based): chr10:75,029,131, C>T. VCF-style: chr10-75029131-C-T. GRCh37 (hg19) VCF-style: chr10-76788889-C-T.
Other names: c.3758C>T, p.Ser1253Phe (NM_001256468.2, NM_001370138.1); c.3431C>T, p.Ser1144Phe (NM_001256469.2, NM_001370139.1, NM_001370140.1 and 2 more transcripts); c.3269C>T, p.Ser1090Phe (NM_001370132.1); c.2618C>T, p.Ser873Phe (NM_001370133.1); c.2222C>T, p.Ser741Phe (NM_001370134.1); c.1964C>T, p.Ser655Phe (NM_001370135.1); c.4307C>T, p.Ser1436Phe (NM_001370136.1, NM_001370137.1); c.3242C>T, p.Ser1081Phe (NM_001370143.1, NM_001370144.1); short protein forms S1081F, S1090F, S1144F, S1253F, S1436F, S655F, S741F, S873F.
Identifiers: ClinVar variation 1800677 (VCV001800677.1), dbSNP rs2549201453, ClinGen allele CA377296674.
Genomic context (GRCh38, chr10:75,029,131, plus strand): 5'-AAGAGCCATCCCACAACGAGGACCATGATGCCGATGACGAGGATGACAGCCACATGGAGT[C>T]TGCCGAAGTGGAGAAGGAAGAGCTGCCCAGAGAAAGCTTCAAAGAAGTACTGGAAAACCA-3'
Protein context (NP_036462.2, residues 1426-1446): ADDEDDSHME[Ser1436Phe]AEVEKEELPR

ClinVar aggregate classification (germline): Uncertain significance (1 of 4 stars; one submission).

Submission:

GeneDx
Classification: Uncertain significance. Last evaluated: 2022-05-20. Review status: criteria provided, single submitter. Criteria: GeneDx Variant Classification Process June 2021. Collection method: clinical testing. Allele origin: germline. Affected: yes.
Comment: Not observed at significant frequency in large population cohorts (gnomAD); In silico analysis supports that this missense variant has a deleterious effect on protein structure/function; Has not been previously published as pathogenic or benign to our knowledge